The following is an entry in ClinVar:

NM_012216.4(MID2):c.1090G>T (p.Ala364Ser)

Genes: MID2 (midline 2; plus strand), LOC101928335 (uncharacterized LOC101928335; minus strand). Cytogenetic location: Xq22.3.
Variant type: single nucleotide variant.
Coding change: c.1090G>T on transcript NM_012216.4 (MANE Select); coding-DNA position 1090, G replaced by T.
Protein change: p.Ala364Ser; replaces alanine 364 with serine.
Molecular consequence: missense variant.
Genome position (GRCh38, 1-based): chrX:107,916,018, G>T. VCF-style: chrX-107916018-G-T. GRCh37 (hg19) VCF-style: chrX-107159248-G-T.
Other names: c.1030G>T, p.Ala344Ser (NM_001382751.1, NM_001382752.1); c.1090G>T, p.Ala364Ser (NM_052817.3); short protein forms A344S, A364S.
Identifiers: ClinVar variation 2431776 (VCV002431776.2), dbSNP rs2520751368, ClinGen allele CA413897882.
Genomic context (GRCh38, chrX:107,916,018, plus strand): 5'-GCAACCTATTTTGATGTATATTGATGTACTTTTCTCTTTTTCAGGGTCGCTATGGCAACT[G>T]CATCTTCTCAAGTTCTGATTCCAGACATCAATTTTAATGATGCCTTTGAAAACTTTGCTT-3'
Protein context (NP_036348.2, residues 354-374): NIAERVAMAT[Ala364Ser]SSQVLIPDIN

ClinVar aggregate classification (germline): Uncertain significance (1 of 4 stars; one submission).

Conditions:
Intellectual developmental disorder, X-linked 101. Also called: Intellectual disability, X-linked 101. Identifiers: Orphanet 777, MedGen C3890168, MONDO:0010489, OMIM 300928.

Submission:

Laboratorio de Genetica e Diagnostico Molecular, Hospital Israelita Albert Einstein
Classification: Uncertain significance for Intellectual developmental disorder, X-linked 101. Last evaluated: 2022-03-10. Review status: criteria provided, single submitter. Criteria: ACMG Guidelines, 2015. Collection method: clinical testing. Allele origin: germline. Affected: yes.
Comment: ACMG classification criteria: PM2 moderated, BP4 supporting